The following is an entry in ClinVar:

NM_012330.4(KAT6B):c.3056A>G (p.Glu1019Gly)

Gene: KAT6B (lysine acetyltransferase 6B; plus strand). Cytogenetic location: 10q22.2.
Variant type: single nucleotide variant.
Coding change: c.3056A>G on transcript NM_012330.4 (MANE Select); coding-DNA position 3056, A replaced by G.
Protein change: p.Glu1019Gly; replaces glutamic acid 1019 with glycine.
Molecular consequence: missense variant.
Genome position (GRCh38, 1-based): chr10:75,021,915, A>G. VCF-style: chr10-75021915-A-G. GRCh37 (hg19) VCF-style: chr10-76781673-A-G.
Other names: c.3056A>G, p.Glu1019Gly (NM_001370136.1, NM_001370137.1); c.2507A>G, p.Glu836Gly (NM_001370138.1, NM_001256468.2); c.2180A>G, p.Glu727Gly (NM_001370139.1, NM_001370140.1, NM_001370141.1 and 2 more transcripts); c.1991A>G, p.Glu664Gly (NM_001370143.1, NM_001370144.1); c.2018A>G, p.Glu673Gly (NM_001370132.1); c.1367A>G, p.Glu456Gly (NM_001370133.1); c.971A>G, p.Glu324Gly (NM_001370134.1); c.713A>G, p.Glu238Gly (NM_001370135.1); short protein forms E1019G, E456G, E238G, E673G, E664G, E727G, E324G, E836G.
Identifiers: ClinVar variation 2851540 (VCV002851540.3), dbSNP rs1238391914, ClinGen allele CA377283342.

ClinVar aggregate classification (germline): Uncertain significance (1 of 4 stars; one submission).

Conditions:
Genitopatellar syndrome (GTPTS). Also called: Genitopatellar syndrome (GPS); ABSENT PATELLAE, SCROTAL HYPOPLASIA, RENAL ANOMALIES, FACIAL DYSMORPHISM, AND MENTAL RETARDATION. Identifiers: Orphanet 85201, MedGen C1853566, MONDO:0011640, OMIM 606170.

Allele frequency attached by ClinVar (database versions not stated): gnomAD 0.00001; TOPMed 0.00002.
gnomAD v4.1: 4 of 1,614,022 alleles (0.00025%); highest among the groups gnomAD compares: African/African-American, 0.004%; no homozygotes.

Submission:

Labcorp Genetics (formerly Invitae), Labcorp
Classification: Uncertain significance for Genitopatellar syndrome. Last evaluated: 2023-09-04. Review status: criteria provided, single submitter. Criteria: Invitae Variant Classification Sherloc (09022015). Collection method: clinical testing. Allele origin: germline.
Comment: In summary, the available evidence is currently insufficient to determine the role of this variant in disease. Therefore, it has been classified as a Variant of Uncertain Significance. Advanced modeling of protein sequence and biophysical properties (such as structural, functional, and spatial information, amino acid conservation, physicochemical variation, residue mobility, and thermodynamic stability) performed at Invitae indicates that this missense variant is not expected to disrupt KAT6B protein function. This variant has not been reported in the literature in individuals affected with KAT6B-related conditions. This variant is present in population databases (no rsID available, gnomAD 0.008%). This sequence change replaces glutamic acid, which is acidic and polar, with glycine, which is neutral and non-polar, at codon 1019 of the KAT6B protein (p.Glu1019Gly).